The following is an entry in ClinVar:

ClinVar aggregate classification (germline): Likely pathogenic (1 of 4 stars; one submission).

Submission:

Dasa
Classification: Likely pathogenic. Last evaluated: 2025-11-19. Review status: criteria provided, single submitter. Criteria: DASA Assertion Criteria. Collection method: clinical testing. Allele origin: germline.
Comment: NM_001001548.3(CD36):c.1126-2_1149dup (p.Ala384Argfs*2) is a splice-region variant predicted to affect normal RNA splicing. Loss of function is an established disease mechanism for CD36-associated disorders. Also, this variant is rare in population databases. Based on the currently available evidence, this variant is classified as likely pathogenic.

NM_001001548.3(CD36):c.1126-2_1149dup

Gene: CD36 (CD36 molecule (CD36 blood group); plus strand). Cytogenetic location: 7q21.11.
Variant type: Duplication.
Coding change: c.1126-2_1149dup on transcript NM_001001548.3 (MANE Select); the canonical splice acceptor site of the intron before coding-DNA position 1126 through coding-DNA position 1149, 26 bases duplicated (AGATAACTGGATTCACTTTACAATTT).
Molecular consequence: splice acceptor variant.
Genome position (GRCh38, 1-based): chr7:80,672,768-80,672,793, AGATAACTGGATTCACTTTACAATTT duplicated; duplicating any 26 consecutive bases within chr7:80,672,765-80,672,793 gives the same sequence; the c. name uses the placement nearest the transcript's 3' end. VCF-style (leftmost placement, unchanged base first): chr7-80672764-T-TTTTAGATAACTGGATTCACTTTACAA. GRCh37 (hg19) VCF-style: chr7-80302080-T-TTTTAGATAACTGGATTCACTTTACAA.
Other names: c.1126-2_1149dup (NM_001371075.1, NM_001001547.3, NM_001371074.1 and 5 more transcripts); c.661-2_684dup (NM_001371081.1, NM_001371080.1); c.898-2_921dup (NM_001289911.2); c.1024-2_1047dup (NM_001371079.1); c.946-2_969dup (NM_001289909.1); c.1009-2_1032dup (NM_001289908.1).
Identifiers: ClinVar variation 4886593 (VCV004886593.2).